The following is an entry in ClinVar:

NM_001918.5(DBT):c.991G>A (p.Glu331Lys)

Gene: DBT (dihydrolipoamide branched chain transacylase E2; minus strand). Cytogenetic location: 1p21.2.
Variant type: single nucleotide variant.
Coding change: c.991G>A on transcript NM_001918.5 (MANE Select); coding-DNA position 991, G replaced by A.
Protein change: p.Glu331Lys; replaces glutamic acid 331 with lysine.
Molecular consequence: missense variant.
Genome position (GRCh38, 1-based): chr1:100,210,720, C>T on the plus strand (G>A on the coding strand, the complement: DBT is on the minus strand). VCF-style: chr1-100210720-C-T. GRCh37 (hg19) VCF-style: chr1-100676276-C-T.
Other names: short protein forms E331K.
Identifiers: ClinVar variation 1421465 (VCV001421465.8), dbSNP rs2100788336, ClinGen allele CA341334711.

ClinVar aggregate classification (germline): Uncertain significance (1 of 4 stars; one submission).

Conditions:
Maple syrup urine disease (MSUD). Identifiers: Orphanet 511, MedGen C0024776, MeSH D008375, MONDO:0009563. Disease mechanism: loss of function.

Submission:

Labcorp Genetics (formerly Invitae), Labcorp
Classification: Uncertain significance for Maple syrup urine disease. Last evaluated: 2024-10-08. Review status: criteria provided, single submitter. Criteria: Invitae Variant Classification Sherloc (09022015). Collection method: clinical testing. Allele origin: germline.
Comment: This sequence change replaces glutamic acid, which is acidic and polar, with lysine, which is basic and polar, at codon 331 of the DBT protein (p.Glu331Lys). This variant is not present in population databases (gnomAD no frequency). This variant has not been reported in the literature in individuals affected with DBT-related conditions. ClinVar contains an entry for this variant (Variation ID: 1421465). Invitae Evidence Modeling of protein sequence and biophysical properties (such as structural, functional, and spatial information, amino acid conservation, physicochemical variation, residue mobility, and thermodynamic stability) has been performed for this missense variant. However, the output from this modeling did not meet the statistical confidence thresholds required to predict the impact of this variant on DBT protein function. In summary, the available evidence is currently insufficient to determine the role of this variant in disease. Therefore, it has been classified as a Variant of Uncertain Significance.